The following is an entry in ClinVar:

NM_015512.5(DNAH1):c.8881A>G (p.Ile2961Val)

Gene: DNAH1 (dynein axonemal heavy chain 1; plus strand). Cytogenetic location: 3p21.1.
Variant type: single nucleotide variant.
Coding change: c.8881A>G on transcript NM_015512.5 (MANE Select); coding-DNA position 8881, A replaced by G.
Protein change: p.Ile2961Val; replaces isoleucine 2961 with valine.
Molecular consequence: missense variant.
Genome position (GRCh38, 1-based): chr3:52,386,731, A>G. VCF-style: chr3-52386731-A-G. GRCh37 (hg19) VCF-style: chr3-52420747-A-G.
Other names: short protein forms I2961V.
Identifiers: ClinVar variation 2043093 (VCV002043093.3), dbSNP rs745558710, ClinGen allele CA2435337.

ClinVar aggregate classification (germline): Uncertain significance (1 of 4 stars; one submission).

Conditions:
Spermatogenic failure 18. Identifiers: MedGen C4539783, MONDO:0054615, OMIM 617576.
Ciliary dyskinesia, primary, 37 (CILD37). Also called: CILIARY DYSKINESIA, PRIMARY, 37, WITH OR WITHOUT SITUS INVERSUS. Identifiers: MedGen C4539798, MONDO:0033204, OMIM 617577.

Allele frequency attached by ClinVar (database versions not stated): gnomAD 0.00001; TOPMed 0.00002; ExAC 0.00003.
gnomAD v4.1: 10 of 1,590,422 alleles (0.00063%); highest among the groups gnomAD compares: Admixed American, 0.011%; no homozygotes.

Submission:

Labcorp Genetics (formerly Invitae), Labcorp
Classification: Uncertain significance for Ciliary dyskinesia, primary, 37; Spermatogenic failure 18. Last evaluated: 2022-11-22. Review status: criteria provided, single submitter. Criteria: Invitae Variant Classification Sherloc (09022015). Collection method: clinical testing. Allele origin: germline.
Comment: This sequence change replaces isoleucine, which is neutral and non-polar, with valine, which is neutral and non-polar, at codon 2961 of the DNAH1 protein (p.Ile2961Val). This variant is present in population databases (rs745558710, gnomAD 0.01%). This variant has not been reported in the literature in individuals affected with DNAH1-related conditions. Algorithms developed to predict the effect of missense changes on protein structure and function (SIFT, PolyPhen-2, Align-GVGD) all suggest that this variant is likely to be tolerated. In summary, the available evidence is currently insufficient to determine the role of this variant in disease. Therefore, it has been classified as a Variant of Uncertain Significance.